The following is an entry in ClinVar:

ClinVar aggregate classification (germline): Uncertain significance (1 of 4 stars; one submission).

Conditions:
Epidermolysis bullosa simplex with nail dystrophy (EBS5D). Identifiers: MedGen C4225309, MONDO:0014661, OMIM 616487.
Autosomal recessive limb-girdle muscular dystrophy type 2Q (LGMDR17). Also called: MUSCULAR DYSTROPHY, LIMB-GIRDLE, AUTOSOMAL RECESSIVE 17. Identifiers: Orphanet 254361, MedGen C3150989, MONDO:0013390, OMIM 613723.
Epidermolysis bullosa simplex 5B, with muscular dystrophy (EBS5B). Also called: Epidermolysis bullosa simplex with muscular dystrophy; EPIDERMOLYSIS BULLOSA SIMPLEX AND LIMB-GIRDLE MUSCULAR DYSTROPHY. Identifiers: Orphanet 257, MedGen C2931072, MONDO:0009181, OMIM 226670.
Epidermolysis bullosa simplex 5C, with pyloric atresia (EBS5C). Also called: PLEC-Related Epidermolysis Bullosa with Pyloric Atresia; Epidermolysis bullosa simplex with pyloric atresia; PLEC1-Related Epidermolysis Bullosa with Pyloric Atresia. Identifiers: Orphanet 158684, MedGen C2677349, MONDO:0012807, OMIM 612138.
Epidermolysis bullosa simplex, Ogna type (EBS5A). Also called: Pidermolysis bullosa simplex 5A, Ogna type; EPIDERMOLYSIS BULLOSA SIMPLEX 5A, OGNA TYPE. Identifiers: Orphanet 79401, MedGen C0432317, MONDO:0007555, OMIM 131950.

Submission:

Labcorp Genetics (formerly Invitae), Labcorp
Classification: Uncertain significance for Autosomal recessive limb-girdle muscular dystrophy type 2Q; Epidermolysis bullosa simplex, Ogna type; Epidermolysis bullosa simplex with nail dystrophy; Epidermolysis bullosa simplex 5C, with pyloric atresia; Epidermolysis bullosa simplex 5B, with muscular dystrophy. Last evaluated: 2024-10-16. Review status: criteria provided, single submitter. Criteria: Invitae Variant Classification Sherloc (09022015). Collection method: clinical testing. Allele origin: germline.
Comment: This sequence change replaces arginine, which is basic and polar, with serine, which is neutral and polar, at codon 3005 of the PLEC protein (p.Arg3005Ser). This variant is not present in population databases (gnomAD no frequency). This variant has not been reported in the literature in individuals affected with PLEC-related conditions. Invitae Evidence Modeling of protein sequence and biophysical properties (such as structural, functional, and spatial information, amino acid conservation, physicochemical variation, residue mobility, and thermodynamic stability) indicates that this missense variant is not expected to disrupt PLEC protein function with a negative predictive value of 80%. In summary, the available evidence is currently insufficient to determine the role of this variant in disease. Therefore, it has been classified as a Variant of Uncertain Significance.

NM_201384.3(PLEC):c.8932C>A (p.Arg2978Ser)

Gene: PLEC (plectin; minus strand). Cytogenetic location: 8q24.3.
Variant type: single nucleotide variant.
Coding change: c.8932C>A on transcript NM_201384.3 (MANE Select); coding-DNA position 8932, C replaced by A.
Protein change: p.Arg2978Ser; replaces arginine 2978 with serine.
Molecular consequence: missense variant.
Genome position (GRCh38, 1-based): chr8:143,920,889, G>T on the plus strand (C>A on the coding strand, the complement: PLEC is on the minus strand). VCF-style: chr8-143920889-G-T. GRCh37 (hg19) VCF-style: chr8-144995057-G-T.
Other names: c.9013C>A, p.Arg3005Ser (NM_000445.5); c.5632C>A, p.Arg1878Ser (NM_001410941.1); c.8890C>A, p.Arg2964Ser (NM_201378.4); c.8866C>A, p.Arg2956Ser (NM_201379.3); c.9343C>A, p.Arg3115Ser (NM_201380.4); c.8836C>A, p.Arg2946Ser (NM_201381.3); c.8932C>A, p.Arg2978Ser (NM_201382.4); c.8944C>A, p.Arg2982Ser (NM_201383.3); short protein forms R1878S, R2946S, R2956S, R2964S, R2978S, R2982S, R3005S, R3115S.
Identifiers: ClinVar variation 3749945 (VCV003749945.2).